The following is an entry in ClinVar:

ClinVar aggregate classification (germline): Conflicting classifications of pathogenicity. Review status: criteria provided, conflicting classifications (1 of 4 stars). 2 submissions from 2 submitters: Uncertain significance (1); Likely benign (1). Last evaluated 2024-07-16.

Conditions:
Cardiovascular phenotype. Identifiers: MedGen CN230736.

Allele frequency attached by ClinVar (database versions not stated): gnomAD exomes below 0.00001; TOPMed below 0.00001.
gnomAD v4.1: 5 of 1,613,090 alleles (0.00031%); highest among the groups gnomAD compares: Non-Finnish European, 0.00025%; no homozygotes.

Submissions (2):

Ambry Genetics
Classification: Likely benign for Cardiovascular phenotype. Last evaluated: 2024-07-16. Review status: criteria provided, single submitter. Criteria: Ambry Variant Classification Scheme 2023. Collection method: clinical testing. Allele origin: germline.

Biesecker Lab/Clinical Genomics Section, National Institutes of Health
Classification: Uncertain significance. Last evaluated: 2013-06-24. Review status: criteria provided, single submitter. Criteria: Ng et al. (Circ Cardiovasc Genet. 2013). Collection method: research. Allele origin: unknown. Observed: 1 variant allele. Study: ClinSeq.
Comment: The study set was not selected for affection status in relation to any cancer. Pathogenicity categories were based on literature curation. See Pubmed ID:23861362 for details.

Medical sequencing

NM_014391.3(ANKRD1):c.316G>A (p.Val106Ile)

Gene: ANKRD1 (ankyrin repeat domain 1; minus strand). Cytogenetic location: 10q23.31.
Variant type: single nucleotide variant.
Coding change: c.316G>A on transcript NM_014391.3 (MANE Select); coding-DNA position 316, G replaced by A.
Protein change: p.Val106Ile; replaces valine 106 with isoleucine.
Molecular consequence: missense variant.
Genome position (GRCh38, 1-based): chr10:90,919,160, C>T on the plus strand (G>A on the coding strand, the complement: ANKRD1 is on the minus strand). VCF-style: chr10-90919160-C-T. GRCh37 (hg19) VCF-style: chr10-92678917-C-T.
Other names: short protein forms V106I.
Identifiers: ClinVar variation 191604 (VCV000191604.2), dbSNP rs201056963, ClinGen allele CA237037.